The following is an entry in ClinVar:

ClinVar aggregate classification (germline): Likely pathogenic (1 of 4 stars; one submission).

Submission:

GeneDx
Classification: Likely pathogenic. Last evaluated: 2026-01-13. Review status: criteria provided, single submitter. Criteria: GeneDx Variant Classification Process June 2021. Collection method: clinical testing. Allele origin: germline. Affected: yes.
Comment: Not observed at significant frequency in large population cohorts (gnomAD); In silico analysis supports that this missense variant has a deleterious effect on protein structure/function; This variant is associated with the following publications: (PMID: 34252879)

NM_000368.5(TSC1):c.572T>C (p.Leu191Pro)

Gene: TSC1 (TSC complex subunit 1; minus strand). Cytogenetic location: 9q34.13.
Variant type: single nucleotide variant.
Coding change: c.572T>C on transcript NM_000368.5 (MANE Select); coding-DNA position 572, T replaced by C.
Protein change: p.Leu191Pro; replaces leucine 191 with proline.
Molecular consequence: missense variant.
Genome position (GRCh38, 1-based): chr9:132,921,910, A>G on the plus strand (T>C on the coding strand, the complement: TSC1 is on the minus strand). VCF-style: chr9-132921910-A-G. GRCh37 (hg19) VCF-style: chr9-135797297-A-G.
Other names: c.572T>C, p.Leu191Pro (NM_001162426.2); c.419T>C, p.Leu140Pro (NM_001162427.2); c.209T>C, p.Leu70Pro (NM_001362177.2); short protein forms L191P, L140P, L70P.
Identifiers: ClinVar variation 421409 (VCV000421409.3), dbSNP rs118203403, ClinGen allele CA16618779.